The following is an entry in ClinVar:

ClinVar aggregate classification (germline): Conflicting classifications of pathogenicity. Review status: criteria provided, conflicting classifications (1 of 4 stars). 3 submissions from 3 submitters: Uncertain significance (2); Likely benign (1). Last evaluated 2026-09-01.

Conditions:
ABCC12-related condition.

Allele frequency attached by ClinVar (database versions not stated): gnomAD 0.00015; TOPMed 0.00019.

Submissions (3):

PreventionGenetics, part of Exact Sciences
Classification: Likely benign for ABCC12-related condition. Last evaluated: 2026-09-01. Review status: criteria provided, single submitter. Criteria: ACMG Guidelines, 2015. Collection method: clinical testing. Allele origin: germline.
Comment: This variant is classified as likely benign based on ACMG/AMP sequence variant interpretation guidelines (Richards et al. 2015 PMID: 25741868, with internal and published modifications).

Ambry Genetics
Classification: Uncertain significance. Last evaluated: 2025-08-22. Review status: criteria provided, single submitter. Criteria: Ambry Variant Classification Scheme 2023. Collection method: clinical testing. Allele origin: germline.

CeGaT Center for Human Genetics Tuebingen
Classification: Uncertain significance. Last evaluated: 2023-01-01. Review status: criteria provided, single submitter. Criteria: CeGaT Center For Human Genetics Tuebingen Variant Classification Criteria Version 2. Collection method: clinical testing. Allele origin: germline. Affected: yes. Observed: 1 variant allele.

NM_001393797.1(ABCC12):c.3238A>G (p.Thr1080Ala)

Gene: ABCC12 (ATP binding cassette subfamily C member 12; minus strand). Cytogenetic location: 16q12.1.
Variant type: single nucleotide variant.
Coding change: c.3238A>G on transcript NM_001393797.1 (MANE Select); coding-DNA position 3238, A replaced by G.
Protein change: p.Thr1080Ala; replaces threonine 1080 with alanine.
Molecular consequence: missense variant. On other transcripts: 5 prime UTR variant (2), non-coding transcript variant (8).
Genome position (GRCh38, 1-based): chr16:48,091,167, T>C on the plus strand (A>G on the coding strand, the complement: ABCC12 is on the minus strand). VCF-style: chr16-48091167-T-C. GRCh37 (hg19) VCF-style: chr16-48125078-T-C.
Other names: c.3238A>G (NM_033226.2); c.-141A>G (NM_001393798.1, NM_001393799.1); c.3238A>G, p.Thr1080Ala (NM_033226.3); short protein forms T1080A.
Identifiers: ClinVar variation 2646493 (VCV002646493.27), dbSNP rs762919275, ClinGen allele CA8041778.